The following is an entry in ClinVar:

ClinVar aggregate classification (germline): Uncertain significance (1 of 4 stars; one submission).

Conditions:
Cortical dysplasia-focal epilepsy syndrome (PTHSL1). Also called: Pitt-Hopkins-like syndrome 1. Identifiers: Orphanet 163681, Orphanet 221150, MedGen C2750246, MONDO:0012400, OMIM 610042.

Submission:

Labcorp Genetics (formerly Invitae), Labcorp
Classification: Uncertain significance for Cortical dysplasia-focal epilepsy syndrome. Last evaluated: 2021-08-28. Review status: criteria provided, single submitter. Criteria: Invitae Variant Classification Sherloc (09022015). Collection method: clinical testing. Allele origin: germline.
Comment: This sequence change replaces threonine with isoleucine at codon 492 of the CNTNAP2 protein (p.Thr492Ile). The threonine residue is moderately conserved and there is a moderate physicochemical difference between threonine and isoleucine. This variant is not present in population databases (ExAC no frequency). This variant has not been reported in the literature in individuals affected with CNTNAP2-related conditions. Algorithms developed to predict the effect of missense changes on protein structure and function are either unavailable or do not agree on the potential impact of this missense change (SIFT: "Deleterious"; PolyPhen-2: "Possibly Damaging"; Align-GVGD: "Class C0"). In summary, the available evidence is currently insufficient to determine the role of this variant in disease. Therefore, it has been classified as a Variant of Uncertain Significance.

NM_014141.6(CNTNAP2):c.1475C>T (p.Thr492Ile)

Gene: CNTNAP2 (contactin associated protein 2; plus strand). Cytogenetic location: 7q35.
Variant type: single nucleotide variant.
Coding change: c.1475C>T on transcript NM_014141.6 (MANE Select); coding-DNA position 1475, C replaced by T.
Protein change: p.Thr492Ile; replaces threonine 492 with isoleucine.
Molecular consequence: missense variant.
Genome position (GRCh38, 1-based): chr7:147,300,267, C>T. VCF-style: chr7-147300267-C-T. GRCh37 (hg19) VCF-style: chr7-146997359-C-T.
Other names: short protein forms T492I.
Identifiers: ClinVar variation 963983 (VCV000963983.7), dbSNP rs1794918917, ClinGen allele CA369925304.